The following is an entry in ClinVar:

ClinVar aggregate classification (germline): Uncertain significance (1 of 4 stars; one submission).

Conditions:
Capillary malformation-arteriovenous malformation syndrome. Also called: Capillary malformation-arteriovenous malformation. Identifiers: Orphanet 137667, MedGen C1842180, MONDO:0012016.

Submission:

Labcorp Genetics (formerly Invitae), Labcorp
Classification: Uncertain significance for Capillary malformation-arteriovenous malformation syndrome. Last evaluated: 2022-08-27. Review status: criteria provided, single submitter. Criteria: Invitae Variant Classification Sherloc (09022015). Collection method: clinical testing. Allele origin: germline.
Comment: In summary, the available evidence is currently insufficient to determine the role of this variant in disease. Therefore, it has been classified as a Variant of Uncertain Significance. This variant is not present in population databases (gnomAD no frequency). This variant has not been reported in the literature in individuals affected with RASA1-related conditions. Algorithms developed to predict the effect of missense changes on protein structure and function are either unavailable or do not agree on the potential impact of this missense change (SIFT: "Deleterious"; PolyPhen-2: "Benign"; Align-GVGD: "Class C0"). This sequence change replaces glycine, which is neutral and non-polar, with valine, which is neutral and non-polar, at codon 340 of the RASA1 protein (p.Gly340Val).

NM_002890.3(RASA1):c.1019G>T (p.Gly340Val)

Genes: CCNH (cyclin H; minus strand), RASA1 (RAS p21 protein activator 1; plus strand). Cytogenetic location: 5q14.3.
Variant type: single nucleotide variant.
Coding change: c.1019G>T on transcript NM_002890.3 (MANE Select); coding-DNA position 1019, G replaced by T.
Protein change: p.Gly340Val; replaces glycine 340 with valine.
Molecular consequence: missense variant. On other transcripts: intron variant (1).
Genome position (GRCh38, 1-based): chr5:87,341,291, G>T. VCF-style: chr5-87341291-G-T. GRCh37 (hg19) VCF-style: chr5-86637108-G-T.
Other names: c.488G>T, p.Gly163Val (NM_022650.3); c.934-28496C>A (NM_001364075.2); short protein forms G163V, G340V.
Identifiers: ClinVar variation 1718111 (VCV001718111.6), dbSNP rs2531225745, ClinGen allele CA360382112.